The following is an entry in ClinVar:

NM_032119.4(ADGRV1):c.17205-10T>G

Gene: ADGRV1 (adhesion G protein-coupled receptor V1; plus strand). Cytogenetic location: 5q14.3.
Variant type: single nucleotide variant.
Coding change: c.17205-10T>G on transcript NM_032119.4 (MANE Select); 10 bases into the intron before coding-DNA position 17205, T replaced by G.
Molecular consequence: intron variant.
Genome position (GRCh38, 1-based): chr5:90,853,274, T>G. VCF-style: chr5-90853274-T-G. GRCh37 (hg19) VCF-style: chr5-90149091-T-G.
Identifiers: ClinVar variation 228716 (VCV000228716.4), dbSNP rs876657821, ClinGen allele CA10576676.

ClinVar aggregate classification (germline): Uncertain significance (1 of 4 stars; one submission).

Submission:

Laboratory for Molecular Medicine, Mass General Brigham Personalized Medicine
Classification: Uncertain significance. Last evaluated: 2015-11-25. Review status: criteria provided, single submitter. Criteria: LMM Criteria. Collection method: clinical testing. Allele origin: germline. Observed: 1 variant allele.
Comment: The c.17205-10T>G variant in GPR98 has not been previously reported in individua ls with hearing loss or Usher syndrome and was absent from large population stud ies. This variant is located in the 3' splice region. Computational tools do not suggest an impact to splicing; however, this information is not predictive enou gh to rule out pathogenicity. In summary, the clinical significance of the c.172 05-10T>G variant is uncertain.